The following is an entry in ClinVar:

NM_004863.4(SPTLC2):c.415T>C (p.Cys139Arg)

Gene: SPTLC2 (serine palmitoyltransferase long chain base subunit 2; minus strand). Cytogenetic location: 14q24.3.
Variant type: single nucleotide variant.
Coding change: c.415T>C on transcript NM_004863.4 (MANE Select); coding-DNA position 415, T replaced by C.
Protein change: p.Cys139Arg; replaces cysteine 139 with arginine.
Molecular consequence: missense variant.
Genome position (GRCh38, 1-based): chr14:77,579,022, A>G on the plus strand (T>C on the coding strand, the complement: SPTLC2 is on the minus strand). VCF-style: chr14-77579022-A-G. GRCh37 (hg19) VCF-style: chr14-78045365-A-G.
Other names: short protein forms C139R.
Identifiers: ClinVar variation 538853 (VCV000538853.17), dbSNP rs150036058, ClinGen allele CA7289449.
Genomic context (GRCh38, chr14:77,579,022, plus strand): 5'-ACCAGTTATAATCATGAGACTGTCTCTCCATGATGTCCACCCTGGCTCCAGGCACACTAC[A>G]GATTGGCCGATTCCAGTTGTCTCTTATCCTCATGTACAGATTCCTTGTATAAAAGTTTTC-3'
Protein context (NP_004854.1, residues 129-149): RIRDNWNRPI[Cys139Arg]SVPGARVDIM

ClinVar aggregate classification (germline): Uncertain significance. Review status: criteria provided, multiple submitters, no conflicts (2 of 4 stars). 5 submissions from 5 submitters: Uncertain significance (5). Last evaluated 2026-01-19.

Conditions:
Inborn genetic diseases. Identifiers: MedGen C0950123, MeSH D030342.
Neuropathy, hereditary sensory and autonomic, type 1C. Also called: HSAN IC; HSN IC. Identifiers: Orphanet 36386, MedGen C3150896, MONDO:0013337, OMIM 613640.

Allele frequency attached by ClinVar (database versions not stated): ExAC 0.00001; gnomAD 0.00001; gnomAD exomes 0.00001; TOPMed 0.00003; ESP Exome Variant Server 0.00015.
gnomAD v4.1: 9 of 1,614,006 alleles (0.00056%); highest among the groups gnomAD compares: African/African-American, 0.0027%; no homozygotes.

Submissions (5):

Labcorp Genetics (formerly Invitae), Labcorp
Classification: Uncertain significance for Neuropathy, hereditary sensory and autonomic, type 1C. Last evaluated: 2026-01-19. Review status: criteria provided, single submitter. Criteria: Invitae Variant Classification Sherloc (09022015). Collection method: clinical testing. Allele origin: germline.
Comment: This sequence change replaces cysteine, which is neutral and slightly polar, with arginine, which is basic and polar, at codon 139 of the SPTLC2 protein (p.Cys139Arg). This variant is present in population databases (rs150036058, gnomAD 0.007%). This missense change has been observed in individuals with clinical features of hereditary sensory and autonomic neuropathy (internal data). ClinVar contains an entry for this variant (Variation ID: 538853). Invitae Evidence Modeling of protein sequence and biophysical properties (such as structural, functional, and spatial information, amino acid conservation, physicochemical variation, residue mobility, and thermodynamic stability) has been performed for this missense variant. However, the output from this modeling did not meet the statistical confidence thresholds required to predict the impact of this variant on SPTLC2 protein function. In summary, the available evidence is currently insufficient to determine the role of this variant in disease. Therefore, it has been classified as a Variant of Uncertain Significance.

Ambry Genetics
Classification: Uncertain significance for Inborn genetic diseases. Last evaluated: 2025-03-01. Review status: criteria provided, single submitter. Criteria: Ambry Variant Classification Scheme 2023. Collection method: clinical testing. Allele origin: germline.

Revvity Omics, Revvity
Classification: Uncertain significance for Neuropathy, hereditary sensory and autonomic, type 1C. Last evaluated: 2025-02-25. Review status: criteria provided, single submitter. Criteria: ACMG Guidelines, 2015. Collection method: clinical testing. Allele origin: germline.

ARUP Laboratories, Molecular Genetics and Genomics, ARUP Laboratories
Classification: Uncertain significance for Neuropathy, hereditary sensory and autonomic, type 1C. Last evaluated: 2021-10-12. Review status: criteria provided, single submitter. Criteria: ARUP Molecular Germline Variant Investigation Process 2021. Collection method: clinical testing. Allele origin: germline.
Comment: The SPTLC2 c.415T>C; p.Cys139Arg variant (rs150036058) is reported in the literature in an individual undergoing genetic testing, although follow-up biochemical testing suggested they were likely unaffected with an SPTLC2-associated disorder (Cochran 2021). This variant is found on only three chromosomes (3/251432 alleles) in the Genome Aggregation Database. The cysteine at codon 139 is highly conserved, but computational analyses are uncertain whether this variant is neutral or deleterious (REVEL: 0.659). However, due to limited information, the clinical significance of the p.Cys139Arg variant is uncertain at this time. References: Cochran M et al. A study of elective genome sequencing and pharmacogenetic testing in an unselected population. Mol Genet Genomic Med. 2021 Sep;9(9):e1766. PMID: 34313030.

GeneDx
Classification: Uncertain significance. Last evaluated: 2019-08-23. Review status: criteria provided, single submitter. Criteria: GeneDx Variant Classification Process June 2021. Collection method: clinical testing. Allele origin: germline. Affected: yes.
Comment: In silico analysis, which includes protein predictors and evolutionary conservation, supports a deleterious effect; Has not been previously published as pathogenic or benign to our knowledge